The following is an entry in ClinVar:

NC_000014.8:g.(?_58894347)_(58917484_?)dup

Gene: KIAA0586 (KIAA0586; plus strand). Cytogenetic location: 14q23.1.
Variant type: Duplication.
Identifiers: ClinVar variation 3244037 (VCV003244037.1).

ClinVar aggregate classification (germline): Uncertain significance (1 of 4 stars; one submission).

Conditions:
Short-rib thoracic dysplasia 14 with polydactyly (SRTD14). Identifiers: Orphanet 397715, MedGen C4225286, MONDO:0014688, OMIM 616546.
Joubert syndrome 23 (JBTS23). Identifiers: Orphanet 475, MedGen C4084822, MONDO:0014664, OMIM 616490.

Submission:

Labcorp Genetics (formerly Invitae), Labcorp
Classification: Uncertain significance for Joubert syndrome 23; Short-rib thoracic dysplasia 14 with polydactyly. Last evaluated: 2024-01-16. Review status: criteria provided, single submitter. Criteria: Invitae Variant Classification Sherloc (09022015). Collection method: clinical testing. Allele origin: unknown.
Comment: This variant results in a copy number gain of the genomic region encompassing exon(s) 1-10 of the KIAA0586 gene. This region includes the initiator codon of the gene. This copy number gain extends beyond the assayed region for this gene and therefore may encompass additional genes. As the precise location of this event is unknown, it may be in tandem or it may be located elsewhere in the genome. This variant has not been reported in the literature in individuals affected with KIAA0586-related conditions. Experimental studies and prediction algorithms are not available or were not evaluated, and the functional significance of this variant is currently unknown. In summary, the available evidence is currently insufficient to determine the role of this variant in disease. Therefore, it has been classified as a Variant of Uncertain Significance.